The following is an entry in ClinVar:

ClinVar aggregate classification (germline): Uncertain significance (1 of 4 stars; one submission).

Submission:

GeneDx
Classification: Uncertain significance. Last evaluated: 2025-01-07. Review status: criteria provided, single submitter. Criteria: GeneDx Variant Classification Process June 2021. Collection method: clinical testing. Allele origin: germline. Affected: yes.
Comment: Not observed at significant frequency in large population cohorts (gnomAD); In silico analysis supports that this missense variant has a deleterious effect on protein structure/function; Has not been previously published as pathogenic or benign to our knowledge

NM_003024.3(ITSN1):c.1079G>T (p.Arg360Leu)

Gene: ITSN1 (intersectin 1; plus strand). Cytogenetic location: 21q22.11.
Variant type: single nucleotide variant.
Coding change: c.1079G>T on transcript NM_003024.3 (MANE Select); coding-DNA position 1079, G replaced by T.
Protein change: p.Arg360Leu; replaces arginine 360 with leucine.
Molecular consequence: missense variant.
Genome position (GRCh38, 1-based): chr21:33,772,097, G>T. VCF-style: chr21-33772097-G-T. GRCh37 (hg19) VCF-style: chr21-35144401-G-T.
Other names: c.1079G>T, p.Arg360Leu (NM_001001132.2, NM_001331008.2, NM_001331009.2 and 2 more transcripts); c.968G>T, p.Arg323Leu (NM_001331012.2); short protein forms R360L, R323L.
Identifiers: ClinVar variation 4056054 (VCV004056054.1).
Genomic context (GRCh38, chr21:33,772,097, plus strand): 5'-AGTTGCTGTGTTCCTTGTCTGAAGTAACGTTTGAAGATAAGAAGCGGGAGAACTTTGAAC[G>T]TGGCAACCTGGAACTGGAGAAACGAAGGCAAGCTCTCCTGGAACAGCAGCGCAAGGAGCA-3'
Protein context (NP_003015.2, residues 350-370): FEDKKRENFE[Arg360Leu]GNLELEKRRQ